The following is an entry in ClinVar:

ClinVar aggregate classification (germline): Benign. Review status: criteria provided, multiple submitters, no conflicts (2 of 4 stars). 5 submissions from 5 submitters: Benign (4). 1 of the submissions does not count toward it. Last evaluated 2026-09-01.

Conditions:
Retinal dystrophy. Also called: Inherited retinal dystrophy. Identifiers: Orphanet 71862, MedGen C0854723, MeSH D058499, MONDO:0019118, HP:0000556.
Cone-rod dystrophy 7 (CORD7). Identifiers: Orphanet 1872, MedGen C1863634, MONDO:0011355, OMIM 603649.

Allele frequency attached by ClinVar (database versions not stated): gnomAD 0.00298 and 0.00316; ESP Exome Variant Server 0.00332; TOPMed 0.00356; gnomAD exomes 0.00441 and 0.00445; ExAC 0.00476; 1000 Genomes Project 30x 0.00484; 1000 Genomes Project 0.00499.
gnomAD v4.1: 6,943 of 1,613,808 alleles (0.43%); highest among the groups gnomAD compares: Middle Eastern, 1.8%; 41 homozygotes.

Submissions (5):

CeGaT Center for Human Genetics Tuebingen
Classification: Benign. Last evaluated: 2026-09-01. Review status: criteria provided, single submitter. Criteria: CeGaT Center For Human Genetics Tuebingen Variant Classification Criteria Version 2. Collection method: clinical testing. Allele origin: germline. Affected: yes. Observed: 10 variant alleles.
Comment: RIMS1: BP4, BP7, BS1, BS2

Labcorp Genetics (formerly Invitae), Labcorp
Classification: Benign. Last evaluated: 2026-01-26. Review status: criteria provided, single submitter. Criteria: Invitae Variant Classification Sherloc (09022015). Collection method: clinical testing. Allele origin: germline.

Blueprint Genetics
Classification: Benign. Last evaluated: 2024-11-25. Review status: criteria provided, single submitter. Criteria: ACMG Guidelines, 2015. Collection method: clinical testing. Allele origin: germline.

Illumina Laboratory Services, Illumina
Classification: Benign for Cone-rod dystrophy 7. Last evaluated: 2018-01-12. Review status: criteria provided, single submitter. Criteria: ICSL Variant Classification Criteria 13 December 2019. Collection method: clinical testing. Allele origin: germline.
Comment: This variant was observed in the ICSL laboratory as part of a predisposition screen in an ostensibly healthy population. It had not been previously curated by ICSL or reported in the Human Gene Mutation Database (HGMD: prior to June 1st, 2018), and was therefore a candidate for classification through an automated scoring system. Utilizing variant allele frequency, disease prevalence and penetrance estimates, and inheritance mode, an automated score was calculated to assess if this variant is too frequent to cause the disease. Based on the score and internal cut-off values, a variant classified as benign is not then subjected to further curation. The score for this variant resulted in a classification of benign for this disease.

Institute of Human Genetics, Univ. Regensburg, Univ. Regensburg
Classification: Uncertain significance for Retinal dystrophy. Last evaluated: 2012-01-01. Review status: no assertion criteria provided. Criteria: ACMG Guidelines, 2015. Collection method: clinical testing. Allele origin: germline. Affected: yes. Not counted in ClinVar's aggregate classification.

NM_014989.7(RIMS1):c.438C>T (p.Arg146=)

Gene: RIMS1 (regulating synaptic membrane exocytosis 1; plus strand). Cytogenetic location: 6q13.
Variant type: single nucleotide variant.
Coding change: c.438C>T on transcript NM_014989.7 (MANE Select); coding-DNA position 438, C replaced by T.
Protein change: p.Arg146=; no amino-acid change (arginine 146 retained).
Molecular consequence: synonymous variant.
Genome position (GRCh38, 1-based): chr6:72,097,141, C>T. VCF-style: chr6-72097141-C-T. GRCh37 (hg19) VCF-style: chr6-72806844-C-T.
Other names: c.435C>T, p.Arg145= (NM_001350411.1); c.357C>T, p.Arg119= (NM_001350412.1); c.438C>T, p.Arg146= (NM_001350413.1).
Identifiers: ClinVar variation 357830 (VCV000357830.40), dbSNP rs142196418, ClinGen allele CA3885480.